The following is an entry in ClinVar:

ClinVar aggregate classification (germline): Uncertain significance (1 of 4 stars; one submission).

Conditions:
Dilated cardiomyopathy 1G (CMD1G). Identifiers: Orphanet 154, MedGen C1858763, MONDO:0011400, OMIM 604145.
Autosomal recessive limb-girdle muscular dystrophy type 2J (LGMDR10). Also called: Limb-girdle muscular dystrophy, type 2J; MUSCULAR DYSTROPHY, LIMB-GIRDLE, AUTOSOMAL RECESSIVE 10. Identifiers: Orphanet 140922, MedGen C1837342, MONDO:0012127, OMIM 608807.

Allele frequency attached by ClinVar (database versions not stated): TOPMed below 0.00001; gnomAD 0.00001.
gnomAD v4.1: 2 of 1,613,884 alleles (0.00012%); highest among the groups gnomAD compares: Non-Finnish European, 0.00017%; no homozygotes.

Submission:

Labcorp Genetics (formerly Invitae), Labcorp
Classification: Uncertain significance for Dilated cardiomyopathy 1G; Autosomal recessive limb-girdle muscular dystrophy type 2J. Last evaluated: 2024-08-19. Review status: criteria provided, single submitter. Criteria: Invitae Variant Classification Sherloc (09022015). Collection method: clinical testing. Allele origin: germline.
Comment: This sequence change replaces glycine, which is neutral and non-polar, with alanine, which is neutral and non-polar, at codon 35340 of the TTN protein (p.Gly35340Ala). This variant is not present in population databases (gnomAD no frequency). This variant has not been reported in the literature in individuals affected with TTN-related conditions. Experimental studies and prediction algorithms are not available or were not evaluated, and the functional significance of this variant is currently unknown. This variant is located in the M band of TTN (PMID: 25589632). Non-truncating variants in this region may be relevant for neuromuscular disorders, but have not been definitively shown to cause cardiomyopathy (PMID: 23975875). In summary, the available evidence is currently insufficient to determine the role of this variant in disease. Therefore, it has been classified as a Variant of Uncertain Significance.

Literature cited by the submitters: PubMed 25589632; PubMed 23975875.

NM_001267550.2(TTN):c.106019G>C (p.Gly35340Ala)

Genes: TTN-AS1 (TTN antisense RNA 1; plus strand), TTN (titin; minus strand), LOC129935182 (ATAC-STARR-seq lymphoblastoid active region 16807; plus strand). Cytogenetic location: 2q31.2.
Variant type: single nucleotide variant.
Coding change: c.106019G>C on transcript NM_001267550.2 (MANE Select); coding-DNA position 106019, G replaced by C.
Protein change: p.Gly35340Ala; replaces glycine 35340 with alanine.
Molecular consequence: missense variant.
Genome position (GRCh38, 1-based): chr2:178,530,596, C>G on the plus strand (G>C on the coding strand, the complement: TTN is on the minus strand). VCF-style: chr2-178530596-C-G. GRCh37 (hg19) VCF-style: chr2-179395323-C-G.
Other names: c.101096G>C, p.Gly33699Ala (NM_001256850.1); c.78824G>C, p.Gly26275Ala (NM_003319.4); c.98315G>C, p.Gly32772Ala (NM_133378.4); c.79199G>C, p.Gly26400Ala (NM_133432.3); c.79400G>C, p.Gly26467Ala (NM_133437.4); short protein forms G26275A, G32772A, G26400A, G26467A, G33699A, G35340A.
Identifiers: ClinVar variation 2933743 (VCV002933743.3), dbSNP rs1688680351, ClinGen allele CA349407207.